The following is an entry in ClinVar:

ClinVar aggregate classification (germline): Uncertain significance. Review status: criteria provided, single submitter (1 of 4 stars). 2 submissions from 2 submitters: Uncertain significance (1). 1 of the submissions does not count toward it. Last evaluated 2022-10-25.

Conditions:
REFSUM DISEASE, ADULT, 1. Identifiers: MedGen C2749345. Disease mechanism: loss of function.

Submissions (2):

Labcorp Genetics (formerly Invitae), Labcorp
Classification: Uncertain significance. Last evaluated: 2022-10-25. Review status: criteria provided, single submitter. Criteria: Invitae Variant Classification Sherloc (09022015). Collection method: clinical testing. Allele origin: germline.
Comment: In summary, the available evidence is currently insufficient to determine the role of this variant in disease. Therefore, it has been classified as a Variant of Uncertain Significance. This variant, c.574_576dup, results in the insertion of 1 amino acid(s) of the PHYH protein (p.Ala192dup), but otherwise preserves the integrity of the reading frame. This variant is not present in population databases (gnomAD no frequency). This variant has been observed in individual(s) with Refsum's disease (PMID: 10767344). This variant is also known as A192-193ins. ClinVar contains an entry for this variant (Variation ID: 7585). Experimental studies and prediction algorithms are not available or were not evaluated, and the functional significance of this variant is currently unknown.

OMIM
Classification: Pathogenic for REFSUM DISEASE, ADULT, 1. Last evaluated: 2000-05-01. Review status: no assertion criteria provided. Collection method: literature only. Allele origin: germline. Not counted in ClinVar's aggregate classification.

Literature cited by the submitters: PubMed 10767344 (cited by Labcorp Genetics (formerly Invitae), Labcorp and OMIM).

NM_006214.4(PHYH):c.574_576dup (p.Ala192_Trp193insAla)

Gene: PHYH (phytanoyl-CoA 2-hydroxylase; minus strand). Cytogenetic location: 10p13.
Variant type: Duplication.
Coding change: c.574_576dup on transcript NM_006214.4 (MANE Select); coding-DNA positions 574 to 576, 3 bases duplicated (GCC; older notation c.574_576dupGCC).
Protein change: p.Ala192_Trp193insAla.
Molecular consequence: inframe insertion. On other transcripts: intron variant (1).
Genome position (GRCh38, 1-based): chr10:13,288,462-13,288,464, GGC duplicated on the plus strand (GCC on the coding strand, the reverse complement: PHYH is on the minus strand); duplicating any 3 consecutive bases within chr10:13,288,462-13,288,465 gives the same sequence; the c. name uses the placement nearest the transcript's 3' end. VCF-style (leftmost placement, unchanged base first): chr10-13288461-A-AGGC. GRCh37 (hg19) VCF-style: chr10-13330461-A-AGGC.
Other names: c.274_276dup, p.Ala92_Trp93insAla (NM_001037537.2, NM_001323080.2); c.580_582dup, p.Ala194_Trp195insAla (NM_001323082.2); c.280_282dup, p.Ala94_Trp95insAla (NM_001323084.2); c.415-4625_415-4623dup (NM_001323083.2).
Identifiers: ClinVar variation 7585 (VCV000007585.6), dbSNP rs2131640741, ClinGen allele CA2580081346.
Genomic context (GRCh38, chr10:13,288,461, plus strand): 5'-GTGTGCCTGGGAGCACAACCAGACAGCCGTTGTTCCGGCTGATGTGCTCCATCGCCGTCC[A>AGGC]GGCGCAAACGATGAGATCGCTGGGCCTGAAGGGGAAATAGTGCAGGTCCTGGTGCAGGGG-3'